The following is an entry in ClinVar:

NM_002878.4(RAD51D):c.739-3C>G

Genes: RAD51D (RAD51 paralog D; minus strand), RAD51L3-RFFL (RAD51L3-RFFL readthrough; minus strand). Cytogenetic location: 17q12.
Variant type: single nucleotide variant.
Coding change: c.739-3C>G on transcript NM_002878.4 (MANE Select); 3 bases into the intron before coding-DNA position 739, C replaced by G.
Molecular consequence: intron variant.
Genome position (GRCh38, 1-based): chr17:35,101,368, G>C on the plus strand (C>G on the coding strand, the complement: RAD51D is on the minus strand). VCF-style: chr17-35101368-G-C. GRCh37 (hg19) VCF-style: chr17-33428387-G-C.
Other names: c.403-3C>G (NM_133629.3); c.799-3C>G (NM_001142571.2).
Identifiers: ClinVar variation 3312401 (VCV003312401.1).

ClinVar aggregate classification (germline): Uncertain significance (1 of 4 stars; one submission).

Conditions:
Hereditary cancer-predisposing syndrome. Also called: Neoplastic Syndromes, Hereditary; Tumor predisposition; Hereditary neoplastic syndrome; Hereditary Cancer Syndrome. Identifiers: Orphanet 140162, MedGen C0027672, MeSH D009386, MONDO:0015356.

Submission:

Ambry Genetics
Classification: Uncertain significance for Hereditary cancer-predisposing syndrome. Last evaluated: 2024-04-15. Review status: criteria provided, single submitter. Criteria: Ambry Variant Classification Scheme 2023. Collection method: clinical testing. Allele origin: germline.
Comment: The c.739-3C>G intronic variant results from a C to G substitution 3 nucleotides upstream from coding exon 9 in the RAD51D gene. This nucleotide position is well conserved in available vertebrate species. In silico splice site analysis predicts that this alteration will weaken the native splice acceptor site and will result in the creation or strengthening of a novel splice acceptor site. Based on the available evidence, the clinical significance of this variant remains unclear.